The following is an entry in ClinVar:

NM_015559.3(SETBP1):c.3211G>A (p.Ala1071Thr)

Gene: SETBP1 (SET binding protein 1; plus strand). Cytogenetic location: 18q12.3.
Variant type: single nucleotide variant.
Coding change: c.3211G>A on transcript NM_015559.3 (MANE Select); coding-DNA position 3211, G replaced by A.
Protein change: p.Ala1071Thr; replaces alanine 1071 with threonine.
Molecular consequence: missense variant.
Genome position (GRCh38, 1-based): chr18:44,952,551, G>A. VCF-style: chr18-44952551-G-A. GRCh37 (hg19) VCF-style: chr18-42532516-G-A.
Other names: c.3211G>A, p.Ala1071Thr (NM_001379141.1, NM_001379142.1, NM_001410862.1); short protein forms A1071T.
Identifiers: ClinVar variation 3670180 (VCV003670180.2).

ClinVar aggregate classification (germline): Uncertain significance (1 of 4 stars; one submission).

gnomAD v4.1: 4 of 1,614,112 alleles (0.00025%); highest among the groups gnomAD compares: South Asian, 0.0033%; no homozygotes.

Submission:

Labcorp Genetics (formerly Invitae), Labcorp
Classification: Uncertain significance. Last evaluated: 2025-04-07. Review status: criteria provided, single submitter. Criteria: Invitae Variant Classification Sherloc (09022015). Collection method: clinical testing. Allele origin: germline.
Comment: This sequence change replaces alanine, which is neutral and non-polar, with threonine, which is neutral and polar, at codon 1071 of the SETBP1 protein (p.Ala1071Thr). This variant is present in population databases (rs760272907, gnomAD 0.003%). This variant has not been reported in the literature in individuals affected with SETBP1-related conditions. ClinVar contains an entry for this variant (Variation ID: 3670180). Invitae Evidence Modeling of protein sequence and biophysical properties (such as structural, functional, and spatial information, amino acid conservation, physicochemical variation, residue mobility, and thermodynamic stability) indicates that this missense variant is not expected to disrupt SETBP1 protein function with a negative predictive value of 80%. In summary, the available evidence is currently insufficient to determine the role of this variant in disease. Therefore, it has been classified as a Variant of Uncertain Significance.